The following is an entry in ClinVar:

NM_003742.4(ABCB11):c.477+5G>C

Gene: ABCB11 (ATP binding cassette subfamily B member 11; minus strand). Cytogenetic location: 2q31.1.
Variant type: single nucleotide variant.
Coding change: c.477+5G>C on transcript NM_003742.4 (MANE Select); 5 bases into the intron after coding-DNA position 477, G replaced by C.
Molecular consequence: intron variant.
Genome position (GRCh38, 1-based): chr2:168,996,630, C>G on the plus strand (G>C on the coding strand, the complement: ABCB11 is on the minus strand). VCF-style: chr2-168996630-C-G. GRCh37 (hg19) VCF-style: chr2-169853140-C-G.
Other names: c.477+5G>C (LRG_1199t1).
Identifiers: ClinVar variation 594566 (VCV000594566.6), dbSNP rs1558916883, ClinGen allele CA913189525.

ClinVar aggregate classification (germline): Uncertain significance. Review status: criteria provided, multiple submitters, no conflicts (2 of 4 stars). 2 submissions from 2 submitters: Uncertain significance (2). Last evaluated 2026-04-14.

Conditions:
Familial intrahepatic cholestasis. Identifiers: Orphanet 284385, MedGen CN296401, MONDO:0017290.

Submissions (2):

Genomenon, Inc
Classification: Uncertain significance for Familial intrahepatic cholestasis. Last evaluated: 2026-04-14. Review status: criteria provided, single submitter. Criteria: Genomenon Sequence Variant Interpretation Standards - Updated. Collection method: curation. Allele origin: germline. Affected: yes.
Comment: ABCB11 c.477+5G>C is an intronic variant located in the donor splice region of intron 6. This variant has been observed in at least one proband with an ABCB11-related disorder (PMID:35535061). It is absent or not present at a significant frequency in gnomAD. In silico models predict that this variant is possibly or probably damaging. In conclusion, we classify ABCB11 c.477+5G>C as a variant of uncertain significance.

Eurofins Ntd Llc (ga)
Classification: Uncertain significance. Last evaluated: 2017-10-16. Review status: criteria provided, single submitter. Criteria: EGL Classification Definitions 2015. Collection method: clinical testing. Allele origin: germline. Observed: 1 variant allele, 1 homozygote.

Literature cited by the submitters: PubMed 35535061 (cited by Genomenon, Inc).